The following is an entry in ClinVar:

ClinVar aggregate classification (germline): Uncertain significance (1 of 4 stars; one submission).

Allele frequency attached by ClinVar (database versions not stated): TOPMed 0.00002; gnomAD exomes 0.00003 and 0.00004; ExAC 0.00007.

Submission:

Labcorp Genetics (formerly Invitae), Labcorp
Classification: Uncertain significance. Last evaluated: 2024-05-20. Review status: criteria provided, single submitter. Criteria: Invitae Variant Classification Sherloc (09022015). Collection method: clinical testing. Allele origin: germline.
Comment: This sequence change replaces valine, which is neutral and non-polar, with methionine, which is neutral and non-polar, at codon 158 of the GTPBP3 protein (p.Val158Met). This variant is present in population databases (rs777645307, gnomAD 0.02%), including at least one homozygous and/or hemizygous individual. This variant has not been reported in the literature in individuals affected with GTPBP3-related conditions. ClinVar contains an entry for this variant (Variation ID: 1515140). Advanced modeling of protein sequence and biophysical properties (such as structural, functional, and spatial information, amino acid conservation, physicochemical variation, residue mobility, and thermodynamic stability) has been performed at Invitae for this missense variant, however the output from this modeling did not meet the statistical confidence thresholds required to predict the impact of this variant on GTPBP3 protein function. In summary, the available evidence is currently insufficient to determine the role of this variant in disease. Therefore, it has been classified as a Variant of Uncertain Significance.

NM_032620.4(GTPBP3):c.472G>A (p.Val158Met)

Gene: GTPBP3 (GTP binding protein 3, mitochondrial; plus strand). Cytogenetic location: 19p13.11.
Variant type: single nucleotide variant.
Coding change: c.472G>A on transcript NM_032620.4 (MANE Select); coding-DNA position 472, G replaced by A.
Protein change: p.Val158Met; replaces valine 158 with methionine.
Molecular consequence: missense variant.
Genome position (GRCh38, 1-based): chr19:17,338,622, G>A. VCF-style: chr19-17338622-G-A. GRCh37 (hg19) VCF-style: chr19-17449431-G-A.
Other names: c.472G>A, p.Val158Met (NM_001128855.3, NM_133644.4); c.538G>A, p.Val180Met (NM_001195422.1); short protein forms V158M, V180M.
Identifiers: ClinVar variation 1515140 (VCV001515140.6), dbSNP rs777645307, ClinGen allele CA9293368.